The following is an entry in ClinVar:

ClinVar aggregate classification (germline): Pathogenic/Likely pathogenic. Review status: criteria provided, multiple submitters, no conflicts (2 of 4 stars). 31 submissions from 29 submitters: Pathogenic (22); Likely pathogenic (1). 8 of the submissions do not count toward it. Last evaluated 2025-12-03.

Conditions:
Congenital heart defects, dysmorphic facial features, and intellectual developmental disorder (CHDFIDD). Identifiers: Orphanet 646278, MedGen C4479246, MONDO:0044302, OMIM 617360.
CDK13-related disorder. Also called: CDK13-related condition. Identifiers: MedGen C5816700.
Marfanoid habitus and intellectual disability. Identifiers: MedGen CN263130.
Syndromic intellectual disability. Also called: Intellectual disability syndrome. Identifiers: Orphanet 183763, MedGen C5680525, MONDO:0000508.
Inborn genetic diseases. Identifiers: MedGen C0950123, MeSH D030342.
Multiple congenital anomalies/dysmorphic syndrome-intellectual disability. Identifiers: Orphanet 102283, MedGen C5680372, MONDO:0015159.
Global developmental delay (DD). Also called: Cognitive delay. Identifiers: MedGen C0557874, HP:0001263. Disease mechanism: loss of function.

Submissions 1 to 14 of 31:

3billion
Classification: Pathogenic for Congenital heart defects, dysmorphic facial features, and intellectual developmental disorder. Last evaluated: 2025-12-03. Review status: criteria provided, single submitter. Criteria: ACMG Guidelines, 2015. Collection method: clinical testing. Allele origin: germline. Affected: yes.
Comment: The variant is not observed in the gnomAD v4.1.0 dataset. Predicted Consequence/Location: Missense variant In silico tool predictions suggest damaging effect of the variant on gene or gene product [REVEL: 0.86 (>=0.6, sensitivity 0.68 and specificity 0.92); 3Cnet: 0.96 (> 0.75, sensitivity 0.96 and precision 0.92)]. The same nucleotide change resulting in the same amino acid change has been previously reported as pathogenic/likely pathogenic with strong evidence (ClinVar ID: VCV000235887 /PMID: 27479907 /3billion dataset). The variant has been previously reported as de novo in a similarly affected individual (PMID: 27479907). The variant has been observed in at least two similarly affected unrelated individuals (PMID: 27479907, 29021403). The variant has been previously reported as assumed (i.e. paternity and maternity not confirmed) de novo in at least one similarly affected unrelated individual (3billion dataset). Different missense changes at the same codon (p.Asn842Asp, p.Asn842Ile) have been reported as pathogenic/likely pathogenic with strong evidence (ClinVar ID: VCV000522794 /PMID: 28807008, 31238879). Therefore, this variant is classified as Pathogenic according to the recommendation of ACMG/AMP guideline.

Ambry Genetics
Classification: Pathogenic for Inborn genetic diseases. Last evaluated: 2025-07-28. Review status: criteria provided, single submitter. Criteria: Ambry Variant Classification Scheme 2023. Collection method: clinical testing. Allele origin: germline.
Comment: The c.2525A>G (p.N842S) alteration is located in coding exon 6 of the CDK13 gene. This alteration results from a A to G substitution at nucleotide position 2525, causing the asparagine (N) at amino acid position 842 to be replaced by a serine (S). This variant was not reported in population-based cohorts in the Genome Aggregation Database (gnomAD). This variant was determined to be de novo in multiple individuals with features consistent with CDK13-related neurodevelopmental disorder (Bostwick, 2019; Hamilton, 2019; Uehara, 2017; DECIPHER; Ambry internal data). This amino acid position is highly conserved in available vertebrate species. This missense alteration is located in a region that has a low rate of benign missense variation (Lek, 2016; Firth, 2009). The p.N842 amino acid is located within the serine-threonine kinase domain (Sifrim, 2016). The in silico prediction for this alteration is inconclusive. Based on the available evidence, this alteration is classified as pathogenic.

Clinical Genetics Laboratory, University Hospital Schleswig-Holstein
Classification: Pathogenic for Congenital heart defects, dysmorphic facial features, and intellectual developmental disorder. Last evaluated: 2025-06-30. Review status: criteria provided, single submitter. Criteria: ACMG Guidelines, 2015. Collection method: clinical testing. Allele origin: germline. Affected: yes. Observed: 1 heterozygote.
Comment: ACMG criteria applied: PS2, PS4, PM1, PM2, PM5, PP1, PP3

Greenwood Genetic Center Diagnostic Laboratories, Greenwood Genetic Center
Classification: Pathogenic for Congenital heart defects, dysmorphic facial features, and intellectual developmental disorder. Last evaluated: 2025-06-25. Review status: criteria provided, single submitter. Criteria: ACMG Guidelines, 2015. Collection method: clinical testing. Allele origin: germline. Affected: yes.
Comment: PS4, PM2, PM6_Strong, PP3

Revvity Omics, Revvity
Classification: Pathogenic for Congenital heart defects, dysmorphic facial features, and intellectual developmental disorder. Last evaluated: 2025-02-13. Review status: criteria provided, single submitter. Criteria: ACMG Guidelines, 2015. Collection method: clinical testing. Allele origin: germline.

Center of Human Genetics, Hôpital Erasme
Classification: Pathogenic for Congenital heart defects, dysmorphic facial features, and intellectual developmental disorder. Last evaluated: 2025-01-01. Review status: criteria provided, single submitter. Criteria: ACMG Guidelines, 2015. Collection method: clinical testing. Allele origin: de novo. Affected: yes.

Labcorp Genetics (formerly Invitae), Labcorp
Classification: Pathogenic. Last evaluated: 2024-11-29. Review status: criteria provided, single submitter. Criteria: Invitae Variant Classification Sherloc (09022015). Collection method: clinical testing. Allele origin: germline.
Comment: This sequence change replaces asparagine, which is neutral and polar, with serine, which is neutral and polar, at codon 842 of the CDK13 protein (p.Asn842Ser). This variant is not present in population databases (gnomAD no frequency). This missense change has been observed in individual(s) with CDK13-related conditions (PMID: 28807008). In at least one individual the variant was observed to be de novo. ClinVar contains an entry for this variant (Variation ID: 235887). Invitae Evidence Modeling of protein sequence and biophysical properties (such as structural, functional, and spatial information, amino acid conservation, physicochemical variation, residue mobility, and thermodynamic stability) indicates that this missense variant is expected to disrupt CDK13 protein function with a positive predictive value of 95%. For these reasons, this variant has been classified as Pathogenic.

Daryl Scott Lab, Baylor College of Medicine
Classification: Pathogenic for Congenital heart defects, dysmorphic facial features, and intellectual developmental disorder. Last evaluated: 2024-04-01. Review status: criteria provided, single submitter. Criteria: ACMG Guidelines, 2015. Collection method: clinical testing. Allele origin: de novo. Affected: yes. Observed: 1 heterozygote.
Comment: PS2, PS4, PM1, PM2, PM5, PP3)

Genetic Services Laboratory, University of Chicago
Classification: Pathogenic. Last evaluated: 2023-11-06. Review status: criteria provided, single submitter. Criteria: ACMG Guidelines, 2015. Collection method: clinical testing. Allele origin: germline. Affected: yes.
Comment: DNA sequence analysis of the CDK13 gene demonstrated a sequence change, c.2525A>G, in exon 6 that results in an amino acid change, p.Asn842Ser. The p.Asn842Ser change affects a highly conserved amino acid residue located in a domain of the CDK13 protein that is known to be critical for its function [PMID: 28807008, 29021403]. The p.Asn842Ser substitution appears to be deleterious/possibly damaging using several in-silico pathogenicity prediction tools (SIFT, PolyPhen2, Align GVGD, REVEL). This pathogenic sequence change has previously been described in multiple unrelated individuals with syndromic and nonsyndromic congenital heart defects, dysmorphic facial features, and intellectual development disorders [PMID: 27479907, 28807008, 29021403]. This sequence change has not been described in population databases such as ExAC and gnomAD. These collective evidences indicate that this sequence change is pathogenic.

GeneDx
Classification: Pathogenic. Last evaluated: 2022-08-31. Review status: criteria provided, single submitter. Criteria: GeneDx Variant Classification Process June 2021. Collection method: clinical testing. Allele origin: germline. Affected: yes.
Comment: Not observed in large population cohorts (gnomAD); In silico analysis, which includes protein predictors and evolutionary conservation, supports a deleterious effect; This variant is associated with the following publications: (PMID: 28554332, 28867141, 29393965, 31883531, 27479907, 28807008, 29021403, 29222009, 28135719, 24999027, 19344873, 25560765, 28991257, 31238879, 31036916, 29738522, 32277047, 32368696, 32901917, 31785789)

Baylor Genetics
Classification: Pathogenic for Congenital heart defects, dysmorphic facial features, and intellectual developmental disorder. Last evaluated: 2022-08-12. Review status: criteria provided, single submitter. Criteria: ACMG Guidelines, 2015. Collection method: clinical testing. Allele origin: unknown.

MGZ Medical Genetics Center
Classification: Pathogenic for Congenital heart defects, dysmorphic facial features, and intellectual developmental disorder. Last evaluated: 2022-04-22. Review status: criteria provided, single submitter. Criteria: ACMG Guidelines, 2015. Collection method: clinical testing. Allele origin: germline. Affected: yes. Observed: 1 variant allele.
Comment: ACMG criteria applied: PM6_VSTR, PS4, PM1, PM5, PM2_SUP, PP2, PP3

Blueprint Genetics
Classification: Pathogenic for CDK13-related disorders. Last evaluated: 2022-03-30. Review status: criteria provided, single submitter. Criteria: ACMG Guidelines, 2015. Collection method: clinical testing. Allele origin: de novo. Affected: yes. Observed: 5 variant alleles.

AURAGEN, Plan France Médecine Génomique
Classification: Pathogenic for Multiple congenital anomalies/dysmorphic syndrome-intellectual disability. Last evaluated: 2022-03-18. Review status: criteria provided, single submitter. Criteria: PFMG2025 (Lancet Reg Health Eur. 2025). Collection method: clinical testing. Allele origin: germline. Affected: yes.

NM_003718.5(CDK13):c.2525A>G (p.Asn842Ser)

Gene: CDK13 (cyclin dependent kinase 13; plus strand). Cytogenetic location: 7p14.1.
Variant type: single nucleotide variant.
Coding change: c.2525A>G on transcript NM_003718.5 (MANE Select); coding-DNA position 2525, A replaced by G.
Protein change: p.Asn842Ser; replaces asparagine 842 with serine.
Molecular consequence: missense variant.
Genome position (GRCh38, 1-based): chr7:40,046,007, A>G. VCF-style: chr7-40046007-A-G. GRCh37 (hg19) VCF-style: chr7-40085606-A-G.
Other names: c.2525A>G, p.Asn842Ser (NM_031267.4); short protein forms N842S.
Identifiers: ClinVar variation 235887 (VCV000235887.84), dbSNP rs878853160, ClinGen allele CA10581476.